The following is an entry in ClinVar:

NM_001351132.2(PEX5):c.-5T>C

Gene: PEX5 (peroxisomal biogenesis factor 5; plus strand). Cytogenetic location: 12p13.31.
Variant type: single nucleotide variant.
Coding change: c.-5T>C on transcript NM_001351132.2 (MANE Select); 5 bases upstream of the start codon, T replaced by C.
Molecular consequence: 5 prime UTR variant.
Genome position (GRCh38, 1-based): chr12:7,190,373, T>C. VCF-style: chr12-7190373-T-C. GRCh37 (hg19) VCF-style: chr12-7342969-T-C.
Other names: c.-5T>C (NM_000319.5, NM_001131023.2, NM_001131024.2 and 22 more transcripts); short protein forms V20A.
Identifiers: ClinVar variation 595094 (VCV000595094.7), dbSNP rs371185376, ClinGen allele CA6425971.

ClinVar aggregate classification (germline): Uncertain significance. Review status: criteria provided, multiple submitters, no conflicts (2 of 4 stars). 3 submissions from 3 submitters: Uncertain significance (3). Last evaluated 2020-05-05.

Conditions:
Peroxisome biogenesis disorder 2A (Zellweger) (PBD2A). Also called: Cerebrohepatorenal syndrome, variant types. Identifiers: Orphanet 912, MedGen C3550273, MONDO:0008954, OMIM 214110.

Allele frequency attached by ClinVar (database versions not stated): gnomAD exomes 0.00003; ESP Exome Variant Server 0.00023; gnomAD 0.00023; TOPMed 0.00023; 1000 Genomes Project 30x 0.00031; 1000 Genomes Project 0.00040.
gnomAD v4.1: 80 of 1,614,148 alleles (0.005%); highest among the groups gnomAD compares: African/African-American, 0.089%; no homozygotes.

Submissions (3):

Baylor Genetics
Classification: Uncertain significance for Peroxisome biogenesis disorder 2A (Zellweger). Last evaluated: 2020-05-05. Review status: criteria provided, single submitter. Criteria: ACMG Guidelines, 2015. Collection method: clinical testing. Allele origin: unknown. Affected: yes.
Comment: This variant was determined to be of uncertain significance according to ACMG Guidelines, 2015 [PMID:25741868].

Eurofins Ntd Llc (ga)
Classification: Uncertain significance. Last evaluated: 2017-11-20. Review status: criteria provided, single submitter. Criteria: EGL Classification Definitions 2015. Collection method: clinical testing. Allele origin: germline. Observed: 4 variant alleles, 4 heterozygotes.

Breakthrough Genomics
Classification: Uncertain significance. Review status: criteria provided, single submitter. Criteria: ACMG Guidelines, 2015. Collection method: not provided. Allele origin: germline. Inheritance: Autosomal recessive inheritance. Affected: yes.